The following is an entry in ClinVar:

NM_001130438.3(SPTAN1):c.2437+18A>T

Gene: SPTAN1 (spectrin alpha, non-erythrocytic 1; plus strand). Cytogenetic location: 9q34.11.
Variant type: single nucleotide variant.
Coding change: c.2437+18A>T on transcript NM_001130438.3 (MANE Select); 18 bases into the intron after coding-DNA position 2437, A replaced by T.
Molecular consequence: intron variant.
Genome position (GRCh38, 1-based): chr9:128,584,543, A>T. VCF-style: chr9-128584543-A-T. GRCh37 (hg19) VCF-style: chr9-131346822-A-T.
Other names: c.2473+18A>T (NM_001375318.1, NM_001375312.2); c.2437+18A>T (NM_001375311.2, NM_001375314.2, NM_001375310.1 and 5 more transcripts).
Identifiers: ClinVar variation 2830871 (VCV002830871.3), dbSNP rs2541204354, ClinGen allele CA2739265062.

ClinVar aggregate classification (germline): Uncertain significance (1 of 4 stars; one submission).

Conditions:
Early-infantile DEE. Also called: Early infantile epileptic encephalopathy; Early infantile epileptic encephalopathy with suppression bursts; Ohtahara syndrome. Identifiers: Orphanet 1934, MedGen C0393706, MONDO:0800491.

Submission:

Labcorp Genetics (formerly Invitae), Labcorp
Classification: Uncertain significance for Early-infantile DEE. Last evaluated: 2023-04-03. Review status: criteria provided, single submitter. Criteria: Invitae Variant Classification Sherloc (09022015). Collection method: clinical testing. Allele origin: germline.
Comment: Algorithms developed to predict the effect of sequence changes on RNA splicing suggest that this variant may disrupt the consensus splice site. This sequence change falls in intron 17 of the SPTAN1 gene. It does not directly change the encoded amino acid sequence of the SPTAN1 protein. This variant is not present in population databases (gnomAD no frequency). This variant has not been reported in the literature in individuals affected with SPTAN1-related conditions. In summary, the available evidence is currently insufficient to determine the role of this variant in disease. Therefore, it has been classified as a Variant of Uncertain Significance.